The following is an entry in ClinVar:

NM_014906.5(PPM1E):c.126A>G (p.Glu42=)

Gene: PPM1E (protein phosphatase, Mg2+/Mn2+ dependent 1E; plus strand). Cytogenetic location: 17q22.
Variant type: single nucleotide variant.
Coding change: c.126A>G on transcript NM_014906.5 (MANE Select); coding-DNA position 126, A replaced by G.
Protein change: p.Glu42=; no amino-acid change (glutamic acid 42 retained).
Molecular consequence: synonymous variant. On other transcripts: non-coding transcript variant (1).
Genome position (GRCh38, 1-based): chr17:58,756,123, A>G. VCF-style: chr17-58756123-A-G. GRCh37 (hg19) VCF-style: chr17-56833484-A-G.
Identifiers: ClinVar variation 4083836 (VCV004083836.8).

ClinVar aggregate classification (germline): Likely benign (1 of 4 stars; one submission).

gnomAD v4.1: 12 of 1,607,370 alleles (0.00075%); highest among the groups gnomAD compares: Non-Finnish European, 0.001%; no homozygotes.

Submission:

CeGaT Center for Human Genetics Tuebingen
Classification: Likely benign. Last evaluated: 2026-04-01. Review status: criteria provided, single submitter. Criteria: CeGaT Center For Human Genetics Tuebingen Variant Classification Criteria Version 2. Collection method: clinical testing. Allele origin: germline. Affected: yes. Observed: 2 variant alleles.
Comment: PPM1E: BP4, BP7